The following is an entry in ClinVar:

NM_005483.3(CHAF1A):c.1219C>T (p.Arg407Trp)

Gene: CHAF1A (chromatin assembly factor 1 subunit A; plus strand). Cytogenetic location: 19p13.3.
Variant type: single nucleotide variant.
Coding change: c.1219C>T on transcript NM_005483.3 (MANE Select); coding-DNA position 1219, C replaced by T.
Protein change: p.Arg407Trp; replaces arginine 407 with tryptophan.
Molecular consequence: missense variant.
Genome position (GRCh38, 1-based): chr19:4,422,767, C>T. VCF-style: chr19-4422767-C-T. GRCh37 (hg19) VCF-style: chr19-4422764-C-T.
Other names: short protein forms R407W.
Identifiers: ClinVar variation 4539871 (VCV004539871.1).
Genomic context (GRCh38, chr19:4,422,767, plus strand): 5'-CGGGAGAAGCGGGAGAAGGATGAGAAGGAGAAGGCGGAGAAGCAGCGGCTCAAGGAGGAG[C>T]GGCGCAAGGAGAGACAGGAAGCCCTGGAGTGAGTGTCCTTGGAGGCCATGCTGGGCCCGC-3'
Protein context (NP_005474.2, residues 397-417): KAEKQRLKEE[Arg407Trp]RKERQEALEA

ClinVar aggregate classification (germline): Uncertain significance (1 of 4 stars; one submission).

Submission:

GeneDx
Classification: Uncertain significance. Last evaluated: 2025-06-26. Review status: criteria provided, single submitter. Criteria: GeneDx Variant Classification Process June 2021. Collection method: clinical testing. Allele origin: germline. Affected: yes.
Comment: Not observed at significant frequency in large population cohorts (gnomAD); In silico analysis supports that this missense variant has a deleterious effect on protein structure/function; Has not been previously published as pathogenic or benign to our knowledge